The following is an entry in ClinVar:

NC_000001.11:g.(?_193203785)_(193250722_?)dup

Gene: CDC73 (cell division cycle 73; plus strand). Cytogenetic location: 1q31.2.
Variant type: Duplication.
Identifiers: ClinVar variation 833354 (VCV000833354.1).

ClinVar aggregate classification (germline): Uncertain significance (1 of 4 stars; one submission).

Conditions:
Parathyroid carcinoma (PRTC). Also called: Parathyroid gland carcinoma; CDC73-Related Parathyroid Carcinoma. Identifiers: Orphanet 143, MedGen C0687150, MONDO:0012004, OMIM 608266, HP:0006780.

Submission:

Labcorp Genetics (formerly Invitae), Labcorp
Classification: Uncertain significance for Parathyroid carcinoma. Last evaluated: 2019-04-01. Review status: criteria provided, single submitter. Criteria: Invitae Variant Classification Sherloc (09022015). Collection method: clinical testing. Allele origin: germline.
Comment: This variant is a gross duplication of the genomic region encompassing exons 11-17 of the CDC73 gene. The 5' boundary is likely confined to intron 10. The 3' end of this event is unknown as it extends beyond the assayed region for this gene and therefore may encompass additional genes. This duplication has not been reported in the literature in individuals with a CDC73-related disease. In summary, this is a sub-genic duplication with unknown impact on protein function. It has been classified as a Variant of Uncertain Significance.